The following is an entry in ClinVar:

ClinVar aggregate classification (germline): Pathogenic (1 of 4 stars; one submission).

Conditions:
Ataxia-telangiectasia syndrome (AT). Also called: LOUIS-BAR SYNDROME; Ataxia-telangiectasia, complementation group D; AT, COMPLEMENTATION GROUP C; Cerebello-oculocutaneous telangiectasia; Immunodeficiency with ataxia telangiectasia; ATAXIA-TELANGIECTASIA, COMPLEMENTATION GROUP A. Identifiers: Orphanet 100, MedGen C0004135, MONDO:0008840, OMIM 208900.

Submission:

Labcorp Genetics (formerly Invitae), Labcorp
Classification: Pathogenic for Ataxia-telangiectasia syndrome. Last evaluated: 2021-02-15. Review status: criteria provided, single submitter. Criteria: Invitae Variant Classification Sherloc (09022015). Collection method: clinical testing. Allele origin: germline.
Comment: For these reasons, this variant has been classified as Pathogenic. Loss-of-function variants in ATM are known to be pathogenic (PMID: 23807571, 25614872). This variant has not been reported in the literature in individuals with ATM-related conditions. This variant is an out-of-frame deletion of the genomic region encompassing exon(s) 25-29 of the ATM gene. This is expected to create a premature translational stop signal and result in an absent or disrupted protein product.

Literature cited by the submitters: PubMed 23807571; PubMed 25614872.

NC_000011.9:g.(?_108153427)_(108160538_?)del

Gene: ATM (ATM serine/threonine kinase; plus strand). Cytogenetic location: 11q22.3.
Variant type: Deletion.
Identifiers: ClinVar variation 1069669 (VCV001069669.5).